The following is an entry in ClinVar:

ClinVar aggregate classification (germline): Benign/Likely benign. Review status: criteria provided, multiple submitters, no conflicts (2 of 4 stars). 12 submissions from 10 submitters: Benign (5); Likely benign (6). 1 of the submissions does not count toward it. Last evaluated 2026-02-04.

Conditions:
Hereditary hyperinsulinism.
Inborn genetic diseases. Identifiers: MedGen C0950123, MeSH D030342.
Hyperinsulinemic hypoglycemia, familial, 1 (HHF1). Also called: Persistent hyperinsulinemic hypoglycemia of infancy; NESIDIOBLASTOSIS OF PANCREAS; Persistent Hyperinsulinemia Hypoglycemia of Infancy; HYPERINSULINISM, FAMILIAL, WITH PANCREATIC NESIDIOBLASTOSIS; HYPOGLYCEMIA, HYPERINSULINEMIC, OF INFANCY. Identifiers: Orphanet 276575, Orphanet 276598, MedGen C2931832, MONDO:0009734, OMIM 256450.
Permanent neonatal diabetes mellitus (PNDM). Identifiers: Orphanet 99885, MedGen C1833104, MONDO:0100164, MONDO:0011643. Disease mechanism: gain of function.
Diabetes mellitus, transient neonatal, 2 (TNDM2). Identifiers: Orphanet 99886, MedGen C1835887, MONDO:0012480, OMIM 610374. Disease mechanism: loss of function.

Allele frequency attached by ClinVar (database versions not stated): 1000 Genomes Project 0.01158; 1000 Genomes Project 30x 0.01187; TOPMed 0.02671; gnomAD exomes 0.02724; ESP Exome Variant Server 0.03250; ExAC 0.03488.
gnomAD v4.1: 67,971 of 1,610,186 alleles (4.2%); highest among the groups gnomAD compares: Non-Finnish European, 5.2%; 1,755 homozygotes.

Submissions (12):

Labcorp Genetics (formerly Invitae), Labcorp
Classification: Benign. Last evaluated: 2026-02-04. Review status: criteria provided, single submitter. Criteria: Invitae Variant Classification Sherloc (09022015). Collection method: clinical testing. Allele origin: germline.

Blueprint Genetics
Classification: Benign. Last evaluated: 2024-11-27. Review status: criteria provided, single submitter. Criteria: ACMG Guidelines, 2015. Collection method: clinical testing. Allele origin: germline.

Ambry Genetics
Classification: Likely benign for Inborn genetic diseases. Last evaluated: 2022-05-24. Review status: criteria provided, single submitter. Criteria: Ambry Variant Classification Scheme 2023. Collection method: clinical testing. Allele origin: germline.

GeneDx
Classification: Benign. Last evaluated: 2019-09-12. Review status: criteria provided, single submitter. Criteria: GeneDx Variant Classification Process June 2021. Collection method: clinical testing. Allele origin: germline. Affected: yes.
Comment: This variant is associated with the following publications: (PMID: 24768178, 22902787, 9075812, 25955821, 24959012, 22704848, 18758683, 18599530, 15842514, 15111507, 11246895, 31118371, 11289470)

Athena Diagnostics
Classification: Benign. Last evaluated: 2018-03-14. Review status: criteria provided, single submitter. Criteria: Athena Diagnostics Criteria. Collection method: clinical testing. Allele origin: germline.

Illumina Laboratory Services, Illumina
Classification: Likely benign for Hyperinsulinemic hypoglycemia, familial, 1. Last evaluated: 2017-04-27. Review status: criteria provided, single submitter. Criteria: ICSL Variant Classification Criteria 13 December 2019. Collection method: clinical testing. Allele origin: germline.
Comment: This variant was observed as part of a predisposition screen in an ostensibly healthy population. A literature search was performed for the gene, cDNA change, and amino acid change (where applicable). No publications were found based on this search. Allele frequency data from public databases allowed determination this variant is unlikely to cause disease. Therefore, this variant is classified as likely benign.

Illumina Laboratory Services, Illumina
Classification: Likely benign for Permanent neonatal diabetes mellitus 1. Last evaluated: 2017-04-27. Review status: criteria provided, single submitter. Criteria: ICSL Variant Classification Criteria 13 December 2019. Collection method: clinical testing. Allele origin: germline.
Comment: the same text as in the submission from Illumina Laboratory Services, Illumina above.

Illumina Laboratory Services, Illumina
Classification: Likely benign for Diabetes mellitus, transient neonatal, 2. Last evaluated: 2017-04-27. Review status: criteria provided, single submitter. Criteria: ICSL Variant Classification Criteria 13 December 2019. Collection method: clinical testing. Allele origin: germline.
Comment: the same text as in the submission from Illumina Laboratory Services, Illumina above.

Genetic Services Laboratory, University of Chicago
Classification: Likely benign. Last evaluated: 2013-03-27. Review status: criteria provided, single submitter. Criteria: ACMG Guidelines, 2007. Collection method: clinical testing. Allele origin: germline. Inheritance: Autosomal unknown.
Comment: Likely benign based on allele frequency in 1000 Genomes Project or ESP global frequency and its presence in a patient with a rare or unrelated disease phenotype. NOT Sanger confirmed

Breakthrough Genomics
Classification: Likely benign. Review status: criteria provided, single submitter. Criteria: ACMG Guidelines, 2015. Collection method: not provided. Allele origin: germline. Inheritance: Autosomal recessive inheritance. Affected: yes.

PreventionGenetics, part of Exact Sciences
Classification: Benign. Review status: criteria provided, single submitter. Criteria: ACMG Guidelines, 2015. Collection method: clinical testing. Allele origin: germline.

Natera, Inc.
Classification: Benign for Hereditary hyperinsulinism. Last evaluated: 2020-09-16. Review status: no assertion criteria provided. Collection method: clinical testing. Allele origin: germline. Not counted in ClinVar's aggregate classification.

Literature cited by the submitters: PubMed 9075812 (cited by Athena Diagnostics); PubMed 24959012 (cited by Athena Diagnostics); PubMed 15842514 (cited by Athena Diagnostics); PubMed 18599530 (cited by Athena Diagnostics); PubMed 24768178 (cited by Athena Diagnostics); PubMed 25955821 (cited by Athena Diagnostics); PubMed 18758683 (cited by Athena Diagnostics); PubMed 22704848 (cited by Athena Diagnostics); PubMed 15111507 (cited by Athena Diagnostics); PubMed 22902787 (cited by Athena Diagnostics).

NM_000352.6(ABCC8):c.2277C>T (p.Thr759=)

Gene: ABCC8 (ATP binding cassette subfamily C member 8; minus strand). Cytogenetic location: 11p15.1.
Variant type: single nucleotide variant.
Coding change: c.2277C>T on transcript NM_000352.6 (MANE Select); coding-DNA position 2277, C replaced by T.
Protein change: p.Thr759=; no amino-acid change (threonine 759 retained).
Molecular consequence: synonymous variant. On other transcripts: non-coding transcript variant (1).
Genome position (GRCh38, 1-based): chr11:17,415,318, G>A on the plus strand (C>T on the coding strand, the complement: ABCC8 is on the minus strand). VCF-style: chr11-17415318-G-A. GRCh37 (hg19) VCF-style: chr11-17436865-G-A.
Other names: c.2280C>T, p.Thr760= (NM_001287174.3); c.2343C>T, p.Thr781= (NM_001351295.2); c.2277C>T, p.Thr759= (NM_001351296.2); c.2274C>T, p.Thr758= (NM_001351297.2).
Identifiers: ClinVar variation 157689 (VCV000157689.25), dbSNP rs1801261, ClinGen allele CA171055.
Genomic context (GRCh38, chr11:17,415,318, plus strand): 5'-CTGGAGGGAGTTGACCCTGGGGGGCAATGTTCCCAGGACGCAGTACCTGATATCCAAGTC[G>A]GTCGCTGTCTCCCGCTCTGGGCTGCAGCAGGGGAGGAAAGGCATACTGAGCTCTCATGGG-3'
Protein context (NP_000343.2, residues 749-769): EDPSPERETA[Thr759=]DLDIRKRGPV